The following is an entry in ClinVar:

ClinVar aggregate classification (germline): Likely pathogenic (1 of 4 stars; one submission).

Conditions:
Nemaline myopathy 2 (NEM2). Also called: Nemaline myopathy 2, autosomal recessive. Identifiers: MedGen C1850569, MONDO:0009725, OMIM 256030.

Submission:

Myriad Genetics, Inc.
Classification: Likely pathogenic for Nemaline myopathy 2. Last evaluated: 2021-12-30. Review status: criteria provided, single submitter. Criteria: Myriad Women's Health Autosomal Recessive and X-Linked Classification Criteria (2021). Collection method: clinical testing. Allele origin: unknown.
Comment: NM_001271208.1(NEB):c.7511_7512delAA(K2504Sfs*8) is expected to be pathogenic in the context of NEB-related nemaline myopathy. This variant is predicted to lead to an abnormal or absent protein product due to the creation of a premature termination codon in NEB, a gene where loss-of-function variants are known to be pathogenic. Please note: this variant was assessed in the context of healthy population screening.

NM_001164508.2(NEB):c.7511_7512del (p.Lys2504fs)

Gene: NEB (nebulin; minus strand). Cytogenetic location: 2q23.3.
Variant type: Deletion.
Coding change: c.7511_7512del on transcript NM_001164508.2 (MANE Select); coding-DNA positions 7511 to 7512, 2 bases deleted (AA; older notation c.7511_7512delAA).
Protein change: p.Lys2504fs; shifts the reading frame from lysine 2504.
Molecular consequence: frameshift variant.
Genome position (GRCh38, 1-based): chr2:151,646,154-151,646,155, TT deleted on the plus strand (AA on the coding strand, the reverse complement: NEB is on the minus strand); deleting any 2 consecutive bases within chr2:151,646,154-151,646,156 gives the same sequence; the c. name uses the placement nearest the transcript's 3' end. VCF-style (leftmost placement, unchanged base first): chr2-151646153-CTT-C. GRCh37 (hg19) VCF-style: chr2-152502667-CTT-C.
Other names: c.7511_7512del, p.Lys2504fs (NM_001271208.2, NM_004543.5, NM_001164507.2); short protein forms K2504fs.
Identifiers: ClinVar variation 1726709 (VCV001726709.2), dbSNP rs2552248324, ClinGen allele CA2580064074.